The following is an entry in ClinVar:

NM_000179.3(MSH6):c.1900T>C (p.Leu634=)

Gene: MSH6 (mutS homolog 6; plus strand). Cytogenetic location: 2p16.3.
Variant type: single nucleotide variant.
Coding change: c.1900T>C on transcript NM_000179.3 (MANE Select); coding-DNA position 1900, T replaced by C.
Protein change: p.Leu634=; no amino-acid change (leucine 634 retained).
Molecular consequence: synonymous variant.
Genome position (GRCh38, 1-based): chr2:47,799,883, T>C. VCF-style: chr2-47799883-T-C. GRCh37 (hg19) VCF-style: chr2-48027022-T-C.
Other names: c.1510T>C, p.Leu504= (NM_001281492.2); c.994T>C, p.Leu332= (NM_001281493.2, NM_001281494.2).
Identifiers: ClinVar variation 230260 (VCV000230260.19), dbSNP rs876658471, ClinGen allele CA10578085.

ClinVar aggregate classification (germline): Benign/Likely benign. Review status: criteria provided, multiple submitters, no conflicts (2 of 4 stars). 5 submissions from 5 submitters: Benign (1); Likely benign (4). Last evaluated 2024-12-30.

Conditions:
Hereditary nonpolyposis colorectal neoplasms. Identifiers: MedGen C0009405, MeSH D003123.
Hereditary cancer-predisposing syndrome. Also called: Hereditary neoplastic syndrome; Hereditary Cancer Syndrome; Neoplastic Syndromes, Hereditary; Tumor predisposition. Identifiers: Orphanet 140162, MedGen C0027672, MeSH D009386, MONDO:0015356.
Lynch syndrome. Identifiers: Orphanet 144, MedGen C4552100, MONDO:0005835. Disease mechanism: loss of function.
Lynch syndrome 5 (LYNCH5). Also called: Colorectal cancer, hereditary nonpolyposis, type 5; Hereditary non-polyposis colorectal cancer, type 5. Identifiers: Orphanet 144, MedGen C1833477, MONDO:0013710, OMIM 614350. Disease mechanism: loss of function.

Allele frequency attached by ClinVar (database versions not stated): gnomAD exomes 0.00001.
gnomAD v4.1: 10 of 1,614,158 alleles (0.00062%); highest among the groups gnomAD compares: Non-Finnish European, 0.00085%; no homozygotes.

Submissions (5):

Myriad Genetics, Inc.
Classification: Benign for Lynch syndrome 5. Last evaluated: 2024-12-30. Review status: criteria provided, single submitter. Criteria: Myriad Autosomal Dominant, Autosomal Recessive and X-Linked Classification Criteria (2023). Collection method: clinical testing. Allele origin: unknown.
Comment: This variant is considered benign. This variant is a silent/synonymous amino acid change and it is not expected to impact splicing.

Labcorp Genetics (formerly Invitae), Labcorp
Classification: Likely benign for Hereditary nonpolyposis colorectal neoplasms. Last evaluated: 2023-12-01. Review status: criteria provided, single submitter. Criteria: Invitae Variant Classification Sherloc (09022015). Collection method: clinical testing. Allele origin: germline.

All of Us Research Program, National Institutes of Health
Classification: Likely benign for Lynch syndrome. Last evaluated: 2023-03-09. Review status: criteria provided, single submitter. Criteria: ACMG Guidelines, 2015. Collection method: clinical testing. Allele origin: germline. Inheritance: Autosomal dominant inheritance. Observed: 1 variant allele, 1 heterozygote.
Comment: This study involves interpretation of variants in research participants for the purpose of population health screening. Participant phenotype was not available at the time of variant classification. Additional details can be found in publication PMID: 35346344, PMCID: PMC8962531

Department of Pathology and Laboratory Medicine, Sinai Health System
Classification: Likely benign for Lynch syndrome. Last evaluated: 2022-11-08. Review status: criteria provided, single submitter. Criteria: ACMG Guidelines, 2015. Collection method: clinical testing. Allele origin: germline. Affected: yes.

Ambry Genetics
Classification: Likely benign for Hereditary cancer-predisposing syndrome. Last evaluated: 2015-01-28. Review status: criteria provided, single submitter. Criteria: Ambry Variant Classification Scheme 2023. Collection method: clinical testing. Allele origin: germline.